The following is an entry in ClinVar:

NM_014780.5(CUL7):c.4774-6C>T

Gene: CUL7 (cullin 7; minus strand). Cytogenetic location: 6p21.1.
Variant type: single nucleotide variant.
Coding change: c.4774-6C>T on transcript NM_014780.5 (MANE Select); 6 bases into the intron before coding-DNA position 4774, C replaced by T.
Molecular consequence: intron variant.
Genome position (GRCh38, 1-based): chr6:43,038,017, G>A on the plus strand (C>T on the coding strand, the complement: CUL7 is on the minus strand). VCF-style: chr6-43038017-G-A. GRCh37 (hg19) VCF-style: chr6-43005755-G-A.
Other names: c.4870-6C>T (NM_001168370.2, NM_001374872.1); c.4771-6C>T (NM_001374874.1); c.4786-6C>T (NM_001374873.1).
Identifiers: ClinVar variation 3050745 (VCV003050745.2), dbSNP rs772760316, ClinGen allele CA3813103.

ClinVar aggregate classification (germline): Likely benign (0 of 4 stars; one submission).

Conditions:
CUL7-related disorder. Also called: CUL7-related condition.

Allele frequency attached by ClinVar (database versions not stated): TOPMed 0.00002; gnomAD 0.00007; gnomAD exomes 0.00013; ExAC 0.00022.
gnomAD v4.1: 194 of 1,588,982 alleles (0.012%); highest among the groups gnomAD compares: South Asian, 0.21%; 2 homozygotes.

Submission:

PreventionGenetics, part of Exact Sciences
Classification: Likely benign for CUL7-related condition. Last evaluated: 2019-02-19. Review status: no assertion criteria provided. Collection method: clinical testing. Allele origin: germline.
Comment: This variant is classified as likely benign based on ACMG/AMP sequence variant interpretation guidelines (Richards et al. 2015 PMID: 25741868, with internal and published modifications).